The following is an entry in ClinVar:

ClinVar aggregate classification (germline): Uncertain significance (1 of 4 stars; one submission).

Conditions:
Schimke immuno-osseous dysplasia (SIOD). Also called: Schimke Immunoosseous Dysplasia. Identifiers: Orphanet 1830, MedGen C0877024, MONDO:0009458, OMIM 242900.

Allele frequency attached by ClinVar (database versions not stated): gnomAD exomes below 0.00001.
gnomAD v4.1: 1 of 1,614,136 alleles (0.000062%); highest among the groups gnomAD compares: Admixed American, 0.0017%; no homozygotes.

Submission:

Labcorp Genetics (formerly Invitae), Labcorp
Classification: Uncertain significance for Schimke immuno-osseous dysplasia. Last evaluated: 2021-03-29. Review status: criteria provided, single submitter. Criteria: Invitae Variant Classification Sherloc (09022015). Collection method: clinical testing. Allele origin: germline.
Comment: This variant is not present in population databases (ExAC no frequency). This variant has not been reported in the literature in individuals with SMARCAL1-related conditions. Algorithms developed to predict the effect of missense changes on protein structure and function output the following: SIFT: "Tolerated"; PolyPhen-2: "Benign"; Align-GVGD: "Class C0". The glycine amino acid residue is found in multiple mammalian species, suggesting that this missense change does not adversely affect protein function. These predictions have not been confirmed by published functional studies and their clinical significance is uncertain. In summary, the available evidence is currently insufficient to determine the role of this variant in disease. Therefore, it has been classified as a Variant of Uncertain Significance. This sequence change replaces valine with glycine at codon 234 of the SMARCAL1 protein (p.Val234Gly). The valine residue is weakly conserved and there is a moderate physicochemical difference between valine and glycine.

NM_014140.4(SMARCAL1):c.701T>G (p.Val234Gly)

Gene: SMARCAL1 (SNF2 related chromatin remodeling annealing helicase 1; plus strand). Cytogenetic location: 2q35.
Variant type: single nucleotide variant.
Coding change: c.701T>G on transcript NM_014140.4 (MANE Select); coding-DNA position 701, T replaced by G.
Protein change: p.Val234Gly; replaces valine 234 with glycine.
Molecular consequence: missense variant.
Genome position (GRCh38, 1-based): chr2:216,415,405, T>G. VCF-style: chr2-216415405-T-G. GRCh37 (hg19) VCF-style: chr2-217280128-T-G.
Other names: c.701T>G, p.Val234Gly (NM_001127207.2); short protein forms V234G.
Identifiers: ClinVar variation 1464089 (VCV001464089.8), dbSNP rs1184288846, ClinGen allele CA350497864.